The following is an entry in ClinVar:

NM_024675.4(PALB2):c.2586+4A>C

Gene: PALB2 (partner and localizer of BRCA2; minus strand). Cytogenetic location: 16p12.2.
Variant type: single nucleotide variant.
Coding change: c.2586+4A>C on transcript NM_024675.4 (MANE Select); 4 bases into the intron after coding-DNA position 2586, A replaced by C.
Molecular consequence: intron variant.
Genome position (GRCh38, 1-based): chr16:23,629,200, T>G on the plus strand (A>C on the coding strand, the complement: PALB2 is on the minus strand). VCF-style: chr16-23629200-T-G. GRCh37 (hg19) VCF-style: chr16-23640521-T-G.
Other names: c.1701+4A>C (NM_001407308.1, NM_001407306.1, NM_001407307.1 and 5 more transcripts); c.120+4A>C (NM_001407314.1); c.798+4A>C (NM_001407313.1, NM_001407312.1); c.2526+4A>C (NM_001407296.1); c.2514+440A>C (NM_001407297.1); c.2586+4A>C (NM_001407302.1, NM_001407298.1, NM_001407300.1 and 2 more transcripts).
Identifiers: ClinVar variation 2627091 (VCV002627091.4), dbSNP rs1966853555, ClinGen allele CA2582342509.

ClinVar aggregate classification (germline): Uncertain significance. Review status: criteria provided, single submitter (1 of 4 stars). 2 submissions from 2 submitters: Uncertain significance (1). 1 of the submissions does not count toward it. Last evaluated 2023-10-25.

Conditions:
Familial cancer of breast. Also called: BREAST CANCER, FAMILIAL; Hereditary breast cancer; hereditary breast carcinoma. Identifiers: Orphanet 227535, MedGen C0346153, MONDO:0016419, OMIM 114480. Disease mechanism: loss of function.
Breast-ovarian cancer, familial, susceptibility to, 5 (BROVCA5). Identifiers: MedGen C5830615, MONDO:0957530, OMIM 620442.

Submissions (2):

Labcorp Genetics (formerly Invitae), Labcorp
Classification: Uncertain significance for Familial cancer of breast. Last evaluated: 2023-10-25. Review status: criteria provided, single submitter. Criteria: Invitae Variant Classification Sherloc (09022015). Collection method: clinical testing. Allele origin: germline.
Comment: This sequence change falls in intron 6 of the PALB2 gene. It does not directly change the encoded amino acid sequence of the PALB2 protein. It affects a nucleotide within the consensus splice site. This variant is not present in population databases (gnomAD no frequency). This variant has not been reported in the literature in individuals affected with PALB2-related conditions. Variants that disrupt the consensus splice site are a relatively common cause of aberrant splicing (PMID: 17576681, 9536098). RNA analysis performed to evaluate the impact of this variant on mRNA splicing indicates it does not significantly alter splicing (Invitae). In summary, the available evidence is currently insufficient to determine the role of this variant in disease. Therefore, it has been classified as a Variant of Uncertain Significance.

Zotz-Klimas Genetics Lab, MVZ Zotz Klimas
Classification: Uncertain significance for Breast-ovarian cancer, familial, susceptibility to, 5. Last evaluated: 2023-10-30. Review status: no assertion criteria provided. Collection method: clinical testing. Allele origin: germline. Affected: yes. Not counted in ClinVar's aggregate classification.

Literature cited by the submitters: PubMed 17576681 (cited by Labcorp Genetics (formerly Invitae), Labcorp); PubMed 9536098 (cited by Labcorp Genetics (formerly Invitae), Labcorp).